The following is an entry in ClinVar:

NM_201596.3(CACNB2):c.1591C>G (p.Arg531Gly)

Gene: CACNB2 (calcium voltage-gated channel auxiliary subunit beta 2; plus strand). Cytogenetic location: 10p12.31.
Variant type: single nucleotide variant.
Coding change: c.1591C>G on transcript NM_201596.3 (MANE Select); coding-DNA position 1591, C replaced by G.
Protein change: p.Arg531Gly; replaces arginine 531 with glycine.
Molecular consequence: missense variant.
Genome position (GRCh38, 1-based): chr10:18,539,332, C>G. VCF-style: chr10-18539332-C-G. GRCh37 (hg19) VCF-style: chr10-18828261-C-G.
Other names: c.1426C>G, p.Arg476Gly (NM_000724.4); c.1393C>G, p.Arg465Gly (NM_001167945.2); c.1312C>G, p.Arg438Gly (NM_001330060.2); c.1447C>G, p.Arg483Gly (NM_201570.3); c.1507C>G, p.Arg503Gly (NM_201571.4); c.1435C>G, p.Arg479Gly (NM_201572.4); c.1429C>G, p.Arg477Gly (NM_201590.3); c.1477C>G, p.Arg493Gly (NM_201593.3); and 1 more; short protein forms R493G, R531G, R465G, R476G, R507G, R503G, R438G, R477G.
Identifiers: ClinVar variation 660294 (VCV000660294.33), dbSNP rs202152674, ClinGen allele CA376071421.

ClinVar aggregate classification (germline): Conflicting classifications of pathogenicity. Review status: criteria provided, conflicting classifications (1 of 4 stars). 3 submissions from 3 submitters: Uncertain significance (2); Likely benign (1). Last evaluated 2024-10-03.

Conditions:
Cardiovascular phenotype. Identifiers: MedGen CN230736.
Brugada syndrome 4 (BRGDA4). Identifiers: Orphanet 130, MedGen C2678477, MONDO:0012743, OMIM 611876.

gnomAD v4.1: 10 of 1,613,988 alleles (0.00062%); highest among the groups gnomAD compares: Admixed American, 0.015%; no homozygotes.

Submissions (3):

Ambry Genetics
Classification: Likely benign for Cardiovascular phenotype. Last evaluated: 2024-10-03. Review status: criteria provided, single submitter. Criteria: Ambry Variant Classification Scheme 2023. Collection method: clinical testing. Allele origin: germline.

Labcorp Genetics (formerly Invitae), Labcorp
Classification: Uncertain significance for Brugada syndrome 4. Last evaluated: 2023-08-07. Review status: criteria provided, single submitter. Criteria: Invitae Variant Classification Sherloc (09022015). Collection method: clinical testing. Allele origin: germline.
Comment: This variant has not been reported in the literature in individuals affected with CACNB2-related conditions. This variant is present in population databases (no rsID available, gnomAD 0.02%). This sequence change replaces arginine, which is basic and polar, with glycine, which is neutral and non-polar, at codon 477 of the CACNB2 protein (p.Arg477Gly). ClinVar contains an entry for this variant (Variation ID: 660294). In summary, the available evidence is currently insufficient to determine the role of this variant in disease. Therefore, it has been classified as a Variant of Uncertain Significance. Advanced modeling of protein sequence and biophysical properties (such as structural, functional, and spatial information, amino acid conservation, physicochemical variation, residue mobility, and thermodynamic stability) performed at Invitae indicates that this missense variant is not expected to disrupt CACNB2 protein function.

CeGaT Center for Human Genetics Tuebingen
Classification: Uncertain significance. Last evaluated: 2022-07-01. Review status: criteria provided, single submitter. Criteria: CeGaT Center For Human Genetics Tuebingen Variant Classification Criteria Version 2. Collection method: clinical testing. Allele origin: germline. Affected: yes. Observed: 1 variant allele.